The following is an entry in ClinVar:

ClinVar aggregate classification (germline): Uncertain significance. Review status: criteria provided, multiple submitters, no conflicts (2 of 4 stars). 3 submissions from 3 submitters: Uncertain significance (2). 1 of the submissions does not count toward it. Last evaluated 2024-10-16.

Conditions:
Autosomal recessive limb-girdle muscular dystrophy type 2A (LGMDR1). Also called: Calpainopathy; MUSCULAR DYSTROPHY, PELVOFEMORAL; Limb-girdle muscular dystrophy, type 2A; Muscular dystrophy, limb-girdle, type 2A, Amish; LEYDEN-MOEBIUS MUSCULAR DYSTROPHY. Identifiers: Orphanet 267, MedGen C1869123, MONDO:0009675, OMIM 253600. Disease mechanism: loss of function.

Allele frequency attached by ClinVar (database versions not stated): gnomAD exomes below 0.00001 and 0.00002; ExAC 0.00002; gnomAD 0.00007 and 0.00009; TOPMed 0.00009.
gnomAD v4.1: 20 of 1,613,956 alleles (0.0012%); highest among the groups gnomAD compares: African/African-American, 0.021%; no homozygotes.

Submissions (3):

Labcorp Genetics (formerly Invitae), Labcorp
Classification: Uncertain significance for Autosomal recessive limb-girdle muscular dystrophy type 2A. Last evaluated: 2024-10-16. Review status: criteria provided, single submitter. Criteria: Invitae Variant Classification Sherloc (09022015). Collection method: clinical testing. Allele origin: germline.
Comment: This sequence change replaces methionine, which is neutral and non-polar, with leucine, which is neutral and non-polar, at codon 290 of the CAPN3 protein (p.Met290Leu). This variant is present in population databases (rs747399155, gnomAD 0.02%). This missense change has been observed in individual(s) with clinical features of CAPN3-related conditions (PMID: 30564623). ClinVar contains an entry for this variant (Variation ID: 285964). Invitae Evidence Modeling of protein sequence and biophysical properties (such as structural, functional, and spatial information, amino acid conservation, physicochemical variation, residue mobility, and thermodynamic stability) has been performed for this missense variant. However, the output from this modeling did not meet the statistical confidence thresholds required to predict the impact of this variant on CAPN3 protein function. In summary, the available evidence is currently insufficient to determine the role of this variant in disease. Therefore, it has been classified as a Variant of Uncertain Significance.

Eurofins Ntd Llc (ga)
Classification: Uncertain significance. Last evaluated: 2016-02-09. Review status: criteria provided, single submitter. Criteria: EGL Classification Definitions 2015. Collection method: clinical testing. Allele origin: germline. Observed: 1 variant allele, 1 heterozygote.

Natera, Inc.
Classification: Uncertain significance for Limb-girdle muscular dystrophy type 2A. Last evaluated: 2019-10-28. Review status: no assertion criteria provided. Collection method: clinical testing. Allele origin: germline. Not counted in ClinVar's aggregate classification.

Literature cited by the submitters: PubMed 30564623 (cited by Labcorp Genetics (formerly Invitae), Labcorp).

NM_000070.3(CAPN3):c.868A>T (p.Met290Leu)

Gene: CAPN3 (calpain 3; plus strand). Cytogenetic location: 15q15.1.
Variant type: single nucleotide variant.
Coding change: c.868A>T on transcript NM_000070.3 (MANE Select); coding-DNA position 868, A replaced by T.
Protein change: p.Met290Leu; replaces methionine 290 with leucine.
Molecular consequence: missense variant. On other transcripts: intron variant (1).
Genome position (GRCh38, 1-based): chr15:42,390,019, A>T. VCF-style: chr15-42390019-A-T. GRCh37 (hg19) VCF-style: chr15-42682217-A-T.
Other names: c.868A>T, p.Met290Leu (NM_024344.2); c.801+923A>T (NM_173087.2); short protein forms M290L.
Identifiers: ClinVar variation 285964 (VCV000285964.15), dbSNP rs747399155, ClinGen allele CA7511153.
Genomic context (GRCh38, chr15:42,390,019, plus strand): 5'-ACGAACATGACCTATGGAACCTCTCCTTCTGGTCTGAACATGGGGGAGTTGATTGCACGG[A>T]TGGTAAGGAATATGGATAACTCACTGCTCCAGGACTCAGACCTCGACCCCAGAGGCTCAG-3'
Protein context (NP_000061.1, residues 280-300): GLNMGELIAR[Met290Leu]VRNMDNSLLQ